The following is an entry in ClinVar:

NM_000243.3(MEFV):c.1734G>A (p.Leu578=)

Genes: MEFV (MEFV innate immunity regulator, pyrin; minus strand), LOC126862264 (CDK7 strongly-dependent group 2 enhancer GRCh37_chr16:3293322-3294521; plus strand). Cytogenetic location: 16p13.3.
Variant type: single nucleotide variant.
Coding change: c.1734G>A on transcript NM_000243.3 (MANE Select); coding-DNA position 1734, G replaced by A.
Protein change: p.Leu578=; no amino-acid change (leucine 578 retained).
Molecular consequence: synonymous variant.
Genome position (GRCh38, 1-based): chr16:3,244,279, C>T on the plus strand (G>A on the coding strand, the complement: MEFV is on the minus strand). VCF-style: chr16-3244279-C-T. GRCh37 (hg19) VCF-style: chr16-3294279-C-T.
Other names: c.1101G>A, p.Leu367= (NM_001198536.2).
Identifiers: ClinVar variation 2087900 (VCV002087900.10), dbSNP rs2543141212, ClinGen allele CA493383677.

ClinVar aggregate classification (germline): Likely benign. Review status: criteria provided, multiple submitters, no conflicts (2 of 4 stars). 2 submissions from 2 submitters: Likely benign (2). Last evaluated 2025-11-01.

Conditions:
Familial Mediterranean fever (FMF). Also called: POLYSEROSITIS, FAMILIAL PAROXYSMAL; POLYSEROSITIS, RECURRENT; Periodic peritonitis; Benign paroxysmal peritonitis. Identifiers: Orphanet 342, MedGen C0031069, MONDO:0018088, OMIM 249100. Disease mechanism: gain of function.

Allele frequency attached by ClinVar (database versions not stated): gnomAD exomes below 0.00001.
gnomAD v4.1: 1 of 1,614,022 alleles (0.000062%); highest among the groups gnomAD compares: Non-Finnish European, 0.000085%; no homozygotes.

Submissions (2):

CeGaT Center for Human Genetics Tuebingen
Classification: Likely benign. Last evaluated: 2025-11-01. Review status: criteria provided, single submitter. Criteria: CeGaT Center For Human Genetics Tuebingen Variant Classification Criteria Version 2. Collection method: clinical testing. Allele origin: germline. Affected: yes. Observed: 1 variant allele.
Comment: MEFV: BP4, BP7

Labcorp Genetics (formerly Invitae), Labcorp
Classification: Likely benign for Familial Mediterranean fever. Last evaluated: 2023-11-21. Review status: criteria provided, single submitter. Criteria: Invitae Variant Classification Sherloc (09022015). Collection method: clinical testing. Allele origin: germline.